The following is an entry in ClinVar:

NM_080425.4(GNAS):c.757A>G (p.Ser253Gly)

Gene: GNAS (GNAS complex locus; plus strand). Cytogenetic location: 20q13.32.
Variant type: single nucleotide variant.
Coding change: c.757A>G on transcript NM_080425.4 (MANE Plus Clinical); coding-DNA position 757, A replaced by G.
Protein change: p.Ser253Gly; replaces serine 253 with glycine.
Molecular consequence: missense variant. On other transcripts: synonymous variant (2), intron variant (3).
Genome position (GRCh38, 1-based): chr20:58,854,022, A>G. VCF-style: chr20-58854022-A-G. GRCh37 (hg19) VCF-style: chr20-57429077-A-G.
Other names: c.570A>G, p.Ala190= (NM_001077490.3, NM_001309883.1); c.757A>G, p.Ser253Gly (NM_001410913.1); c.*42+13136A>G (NM_016592.5); c.43+13136A>G (NM_001410912.1); c.-39+12147A>G (NM_001309861.2); short protein forms S253G.
Identifiers: ClinVar variation 2259997 (VCV002259997.3), dbSNP rs2145566367, ClinGen allele CA409457781.
Genomic context (GRCh38, chr20:58,854,022, plus strand): 5'-TTTGGGGACGACAGCCCACCCCCGGGGCTTTCCCGAGTTATCGCACAAGTCGACGGCAGC[A>G]GCCAGTTCGCGGCAGTCGCGGCCTCGAGTGCGGTCCGCCTCACTCCCGCCGCGAACGCGC-3'
Protein context (NP_536350.2, residues 243-263): SRVIAQVDGS[Ser253Gly]QFAAVAASSA

ClinVar aggregate classification (germline): Conflicting classifications of pathogenicity. Review status: criteria provided, conflicting classifications (1 of 4 stars). 2 submissions from 2 submitters: Uncertain significance (1); Likely benign (1). Last evaluated 2025-12-06.

Conditions:
GNAS-related disorder. Identifiers: MedGen CN380105.
Inborn genetic diseases. Identifiers: MedGen C0950123, MeSH D030342.

Submissions (2):

PreventionGenetics, part of Exact Sciences
Classification: Uncertain significance for GNAS-related condition. Last evaluated: 2025-12-06. Review status: criteria provided, single submitter. Criteria: ACMG Guidelines, 2015. Collection method: clinical testing. Allele origin: germline.
Comment: The GNAS c.757A>G variant is predicted to result in the amino acid substitution p.Ser253Gly. To our knowledge, this variant has not been reported in the literature or in a large population database (gnomAD), indicating this variant is rare. At this time, the clinical significance of this variant is uncertain due to the absence of conclusive functional and genetic evidence.

Ambry Genetics
Classification: Likely benign for Inborn genetic diseases. Last evaluated: 2021-11-09. Review status: criteria provided, single submitter. Criteria: Ambry Variant Classification Scheme 2023. Collection method: clinical testing. Allele origin: germline.